The following is an entry in ClinVar:

ClinVar aggregate classification (germline): Conflicting classifications of pathogenicity. Review status: criteria provided, conflicting classifications (1 of 4 stars). 11 submissions from 11 submitters: Uncertain significance (3); Benign (1); Likely benign (4). 3 of the submissions do not count toward it. Last evaluated 2026-01-27.

Conditions:
Inborn genetic diseases. Identifiers: MedGen C0950123, MeSH D030342.
Cohen syndrome (COH1). Also called: PEPPER SYNDROME; Cutis verticis gyrata, retinitis pigmentosa, and sensorineural deafness. Identifiers: Orphanet 193, MedGen C0265223, MONDO:0008999, OMIM 216550.

Allele frequency attached by ClinVar (database versions not stated): gnomAD exomes 0.00040; 1000 Genomes Project 30x 0.00234; ExAC 0.00051; gnomAD 0.00178 and 0.00159; TOPMed 0.00181; 1000 Genomes Project 0.00220; ESP Exome Variant Server 0.00146.
gnomAD v4.1: 478 of 1,613,712 alleles (0.03%); highest among the groups gnomAD compares: African/African-American, 0.54%; 2 homozygotes.

Submissions (13):

Labcorp Genetics (formerly Invitae), Labcorp
Classification: Likely benign for Cohen syndrome. Last evaluated: 2026-01-27. Review status: criteria provided, single submitter. Criteria: Invitae Variant Classification Sherloc (09022015). Collection method: clinical testing. Allele origin: germline.

Blueprint Genetics
Classification: Likely benign. Last evaluated: 2024-11-07. Review status: criteria provided, single submitter. Criteria: ACMG Guidelines, 2015. Collection method: clinical testing. Allele origin: germline.

Mendelics
Classification: Benign for Cohen syndrome. Last evaluated: 2023-08-22. Review status: criteria provided, single submitter. Criteria: Mendelics Assertion Criteria 2019. Collection method: clinical testing. Allele origin: germline.

Center for Genomics, Ann and Robert H. Lurie Children's Hospital of Chicago
Classification: Uncertain significance for Cohen syndrome. Last evaluated: 2021-09-17. Review status: criteria provided, single submitter. Criteria: ACMG Guidelines, 2015. Collection method: clinical testing. Allele origin: germline.
Comment: VPS13B NM_017890.4 exon 25 p.Thr1289Ser (c.3866C>G): This variant has been reported in the literature as a compound heterozygote (in trans with a multi-exon deletion of this gene) in 1 individual with a diagnosis of Cohen syndrome (Rivera-Brugues 2011 PMID:20921020, gene identified as alternate name COH1). However, this variant is present in 0.5% (125/24018) of African alleles in the Genome Aggregation Database. This variant is present in ClinVar (Variation ID:95851). Evolutionary conservation and computational predictive tools suggest that this variant may impact the protein. In summary, data on this variant is insufficient for disease classification. Therefore, the clinical significance of this variant is uncertain.

GeneDx
Classification: Likely benign. Last evaluated: 2020-10-14. Review status: criteria provided, single submitter. Criteria: GeneDx Variant Classification Process June 2021. Collection method: clinical testing. Allele origin: germline. Affected: yes.
Comment: This variant is associated with the following publications: (PMID: 20921020)

Revvity Omics, Revvity
Classification: Uncertain significance for Cohen syndrome. Last evaluated: 2019-08-06. Review status: criteria provided, single submitter. Criteria: ACMG Guidelines, 2015. Collection method: clinical testing. Allele origin: germline.

Ambry Genetics
Classification: Likely benign for Inborn genetic diseases. Last evaluated: 2018-09-26. Review status: criteria provided, single submitter. Criteria: Ambry Variant Classification Scheme 2023. Collection method: clinical testing. Allele origin: germline.

Eurofins Ntd Llc (ga)
Classification: Uncertain significance. Last evaluated: 2013-10-04. Review status: criteria provided, single submitter. Criteria: EGL Classification Definitions 2015. Collection method: clinical testing. Allele origin: germline. Observed: 1 variant allele, 1 heterozygote.

Natera, Inc.
Classification: Likely benign for Cohen syndrome. Last evaluated: 2020-09-16. Review status: no assertion criteria provided. Collection method: clinical testing. Allele origin: germline. Not counted in ClinVar's aggregate classification.

Clinical Genetics DNA and cytogenetics Diagnostics Lab, Erasmus MC, Erasmus Medical Center
Classification: Uncertain significance. Review status: no assertion criteria provided. Collection method: clinical testing. Allele origin: germline. Affected: yes. Study: VKGL Data-share Consensus. Not counted in ClinVar's aggregate classification.

Dr. Peter K. Rogan Lab, Western University
No classification provided (evidence only). Condition: Lung cancer. Review status: no classification provided. Collection method: in vitro. Allele origin: not applicable. Functional consequence: retained intron. Not counted in ClinVar's aggregate classification.

Dr. Peter K. Rogan Lab, Western University
No classification provided (evidence only). Condition: Familial cancer of breast. Review status: no classification provided. Collection method: in vitro. Allele origin: not applicable. Functional consequence: retained intron. Not counted in ClinVar's aggregate classification.

Joint Genome Diagnostic Labs from Nijmegen and Maastricht, Radboudumc and MUMC+
Classification: Uncertain significance. Review status: no assertion criteria provided. Collection method: clinical testing. Allele origin: germline. Affected: yes. Study: VKGL Data-share Consensus. Not counted in ClinVar's aggregate classification.

Literature cited by the submitters: PubMed 20921020 (cited by Ambry Genetics and Eurofins Ntd Llc (ga)).

NM_152564.5(VPS13B):c.3866C>G (p.Thr1289Ser)

Gene: VPS13B (vacuolar protein sorting 13 homolog B; plus strand). Cytogenetic location: 8q22.2.
Variant type: single nucleotide variant.
Coding change: c.3866C>G on transcript NM_152564.5 (MANE Select); coding-DNA position 3866, C replaced by G.
Protein change: p.Thr1289Ser; replaces threonine 1289 with serine.
Molecular consequence: missense variant.
Genome position (GRCh38, 1-based): chr8:99,481,798, C>G. VCF-style: chr8-99481798-C-G. GRCh37 (hg19) VCF-style: chr8-100494026-C-G.
Other names: c.3866C>G, p.Thr1289Ser (NM_017890.5); short protein forms T1289S.
Identifiers: ClinVar variation 95851 (VCV000095851.70), dbSNP rs145569846, ClinGen allele CA223442.